The following is an entry in ClinVar:

NM_183050.4(BCKDHB):c.348del (p.Asp117fs)

Gene: BCKDHB (branched chain keto acid dehydrogenase E1 subunit beta; plus strand). Cytogenetic location: 6q14.1.
Variant type: Deletion.
Coding change: c.348del on transcript NM_183050.4 (MANE Select); coding-DNA position 348, one base deleted (A; older notation c.348delA).
Protein change: p.Asp117fs; shifts the reading frame from aspartic acid 117.
Molecular consequence: frameshift variant. On other transcripts: non-coding transcript variant (1).
Genome position (GRCh38, 1-based): chr6:80,167,682, A deleted; the last of 4 consecutive A bases (chr6:80,167,679-80,167,682); deleting any one gives the same sequence. VCF-style (leftmost placement, unchanged base first): chr6-80167678-GA-G. GRCh37 (hg19) VCF-style: chr6-80877395-GA-G.
Other names: c.348del, p.Asp117fs (NM_000056.5); c.138del, p.Asp47fs (NM_001318975.1); c.348del (NM_183050.2, NM_000056.4); c.348delA (NM_183050.3); short protein forms D117fs, D47fs.
Identifiers: ClinVar variation 457148 (VCV000457148.17), dbSNP rs1400121541, ClinGen allele CA568406711.

ClinVar aggregate classification (germline): Pathogenic. Review status: criteria provided, multiple submitters, no conflicts (2 of 4 stars). 5 submissions from 5 submitters: Pathogenic (5). Last evaluated 2026-01-06.

Conditions:
Maple syrup urine disease type 1B (MSUD1B). Also called: MSUD type IB; MSUD type 3 (formerly); MSUD due to deficiency of e1-beta subunit of branched-chain alpha-keto acid dehydrogenase complex. Identifiers: MedGen C2930990, MONDO:0023692, OMIM 620698.
Maple syrup urine disease (MSUD). Identifiers: Orphanet 511, MedGen C0024776, MeSH D008375, MONDO:0009563. Disease mechanism: loss of function.

Submissions (5):

Natera, Inc.
Classification: Pathogenic for Maple syrup urine disease type 1B. Last evaluated: 2026-01-06. Review status: criteria provided, single submitter. Criteria: Natera Variant Classification Schema (03/2026). Collection method: clinical testing. Allele origin: germline.
Comment: The c.348delA variant in BCKDHB is a frameshift variant predicted to shift the reading frame beginning at codon 117 and leads to a stop codon 113 codons downstream. This variant is expected to result in nonsense mediated decay, truncation, or a dysfunctional protein product. This variant is rare in the general population with a frequency below the threshold expected for the associated phenotype(s). This variant has been observed in one or more individuals affected with the associated recessive disease, as either homozygous or compound heterozygous with a second variant (PMID: 26232051). Given the available evidence, this variant is classified as Pathogenic.

Labcorp Genetics (formerly Invitae), Labcorp
Classification: Pathogenic for Maple syrup urine disease. Last evaluated: 2024-11-11. Review status: criteria provided, single submitter. Criteria: Invitae Variant Classification Sherloc (09022015). Collection method: clinical testing. Allele origin: germline.
Comment: This sequence change creates a premature translational stop signal (p.Asp117Ilefs*113) in the BCKDHB gene. It is expected to result in an absent or disrupted protein product. Loss-of-function variants in BCKDHB are known to be pathogenic (PMID: 16786533, 22593002). This variant is present in population databases (no rsID available, gnomAD 0.009%). This premature translational stop signal has been observed in individuals with maple syrup urine disease (PMID: 16786533, 26232051). ClinVar contains an entry for this variant (Variation ID: 457148). For these reasons, this variant has been classified as Pathogenic.

Laboratorio de Genetica e Diagnostico Molecular, Hospital Israelita Albert Einstein
Classification: Pathogenic for Maple syrup urine disease type 1A. Last evaluated: 2022-11-10. Review status: criteria provided, single submitter. Criteria: ACMG Guidelines, 2015. Collection method: clinical testing. Allele origin: germline. Affected: yes. Observed: 1 variant allele.
Comment: ACMG classification criteria: PVS1 very strong, PM2 supporting, PM3 strong, PP4

Genome-Nilou Lab
Classification: Pathogenic for Maple syrup urine disease type 1A. Last evaluated: 2021-11-07. Review status: criteria provided, single submitter. Criteria: ACMG Guidelines, 2015. Collection method: clinical testing. Allele origin: germline. Affected: no.

Women's Health and Genetics/Laboratory Corporation of America, LabCorp
Classification: Pathogenic for Maple syrup urine disease. Last evaluated: 2019-09-16. Review status: criteria provided, single submitter. Criteria: LabCorp Variant Classification Summary - May 2015. Collection method: clinical testing. Allele origin: germline.
Comment: Variant summary: BCKDHB c.348delA (p.Asp117IlefsX113) results in a premature termination codon, predicted to cause a truncation of the encoded protein or absence of the protein due to nonsense mediated decay, which are commonly known mechanisms for disease. Truncations downstream of this position have been classified as pathogenic by our laboratory (eg. c.853C>T, p.Arg285X; c.970C>T, p.Arg324X). The variant allele was found at a frequency of 1.6e-05 in 250924 control chromosomes (gnomAD). c.348delA has been reported in the literature in compound heterozygous and homozygous individuals affected with Maple syrup urine disease (Couce_2015, Rodriguez-Pombo_2006). These data indicate that the variant may be associated with disease. Enzymatic activity in an individual homozygous for the variant was determined to be 14% and in an individual compound heterozygous for the variant and another variant was determined to be 1.3%. A ClinVar submitter (evaluation after 2014) cites the variant as pathogenic. Based on the evidence outlined above, the variant was classified as pathogenic.

Literature cited by the submitters: PubMed 26232051 (cited by 3 submitters); PubMed 16786533 (cited by Labcorp Genetics (formerly Invitae), Labcorp and Women's Health and Genetics/Laboratory Corporation of America, LabCorp); PubMed 22593002 (cited by Labcorp Genetics (formerly Invitae), Labcorp).